The following is an entry in ClinVar:

ClinVar aggregate classification (germline): Uncertain significance (1 of 4 stars; one submission).

Conditions:
ITGB3-related disorder. Also called: ITGB3-related condition.

gnomAD v4.1: 5 of 1,613,522 alleles (0.00031%); highest among the groups gnomAD compares: African/African-American, 0.0013%; no homozygotes.

Submission:

PreventionGenetics, part of Exact Sciences
Classification: Uncertain significance for ITGB3-related condition. Last evaluated: 2025-03-26. Review status: criteria provided, single submitter. Criteria: ACMG Guidelines, 2015. Collection method: clinical testing. Allele origin: germline.
Comment: The ITGB3 c.1018G>A variant is predicted to result in the amino acid substitution p.Val340Ile. To our knowledge, this variant has not been reported in the literature or in a large population database (gnomAD), indicating this variant is rare. At this time, the clinical significance of this variant is uncertain due to the absence of conclusive functional and genetic evidence.

NM_000212.3(ITGB3):c.1018G>A (p.Val340Ile)

Gene: ITGB3 (integrin subunit beta 3; plus strand). Cytogenetic location: 17q21.32.
Variant type: single nucleotide variant.
Coding change: c.1018G>A on transcript NM_000212.3 (MANE Select); coding-DNA position 1018, G replaced by A.
Protein change: p.Val340Ile; replaces valine 340 with isoleucine.
Molecular consequence: missense variant.
Genome position (GRCh38, 1-based): chr17:47,289,759, G>A. VCF-style: chr17-47289759-G-A. GRCh37 (hg19) VCF-style: chr17-45367125-G-A.
Other names: short protein forms V340I.
Identifiers: ClinVar variation 4978026 (VCV004978026.1).